The following is an entry in ClinVar:

NM_005732.4(RAD50):c.422T>G (p.Ile141Ser)

Gene: RAD50 (RAD50 double strand break repair protein; plus strand). Cytogenetic location: 5q31.1.
Variant type: single nucleotide variant.
Coding change: c.422T>G on transcript NM_005732.4 (MANE Select); coding-DNA position 422, T replaced by G.
Protein change: p.Ile141Ser; replaces isoleucine 141 with serine.
Molecular consequence: missense variant.
Genome position (GRCh38, 1-based): chr5:132,579,373, T>G. VCF-style: chr5-132579373-T-G. GRCh37 (hg19) VCF-style: chr5-131915065-T-G.
Other names: short protein forms I141S.
Identifiers: ClinVar variation 1738901 (VCV001738901.2), dbSNP rs2479615740, ClinGen allele CA360933807.
Genomic context (GRCh38, chr5:132,579,373, plus strand): 5'-GTAGGCATGGTGAAAAGGTCAGTCTGAGCTCTAAGTGTGCAGAAATTGACCGAGAAATGA[T>G]CAGTTCTCTTGGGGTTTCCAAGGCTGTGCTAAATAATGTCATTTTCTGTCATCAAGAAGA-3'
Protein context (NP_005723.2, residues 131-151): SKCAEIDREM[Ile141Ser]SSLGVSKAVL

ClinVar aggregate classification (germline): Uncertain significance (1 of 4 stars; one submission).

Conditions:
Hereditary cancer-predisposing syndrome. Also called: Hereditary Cancer Syndrome; Hereditary neoplastic syndrome; Neoplastic Syndromes, Hereditary; Tumor predisposition. Identifiers: Orphanet 140162, MedGen C0027672, MeSH D009386, MONDO:0015356.

Submission:

Ambry Genetics
Classification: Uncertain significance for Hereditary cancer-predisposing syndrome. Last evaluated: 2019-08-16. Review status: criteria provided, single submitter. Criteria: Ambry Variant Classification Scheme 2023. Collection method: clinical testing. Allele origin: germline.
Comment: The p.I141S variant (also known as c.422T>G), located in coding exon 4 of the RAD50 gene, results from a T to G substitution at nucleotide position 422. The isoleucine at codon 141 is replaced by serine, an amino acid with dissimilar properties. This amino acid position is highly conserved in available vertebrate species. In addition, the in silico prediction for this alteration is inconclusive. Since supporting evidence is limited at this time, the clinical significance of this alteration remains unclear.